The following is an entry in ClinVar:

NM_015365.3(AMMECR1):c.238G>C (p.Gly80Arg)

Genes: AMMECR1 (AMMECR nuclear protein 1; minus strand), LOC130068555 (ATAC-STARR-seq lymphoblastoid silent region 20940; plus strand). Cytogenetic location: Xq23.
Variant type: single nucleotide variant.
Coding change: c.238G>C on transcript NM_015365.3 (MANE Select); coding-DNA position 238, G replaced by C.
Protein change: p.Gly80Arg; replaces glycine 80 with arginine.
Molecular consequence: missense variant. On other transcripts: 5 prime UTR variant (1).
Genome position (GRCh38, 1-based): chrX:110,317,834, C>G on the plus strand (G>C on the coding strand, the complement: AMMECR1 is on the minus strand). VCF-style: chrX-110317834-C-G. GRCh37 (hg19) VCF-style: chrX-109561062-C-G.
Other names: c.238G>C, p.Gly80Arg (NM_001025580.2); c.-132G>C (NM_001171689.2); short protein forms G80R.
Identifiers: ClinVar variation 2287262 (VCV002287262.4), dbSNP rs750347793, ClinGen allele CA10491615.

ClinVar aggregate classification (germline): Uncertain significance. Review status: criteria provided, single submitter (1 of 4 stars). 2 submissions from 2 submitters: Uncertain significance (1). 1 of the submissions does not count toward it. Last evaluated 2022-05-04.

Conditions:
AMMECR1-related disorder. Also called: AMMECR1-related condition.

Submissions (2):

Ambry Genetics
Classification: Uncertain significance. Last evaluated: 2022-05-04. Review status: criteria provided, single submitter. Criteria: Ambry Variant Classification Scheme 2023. Collection method: clinical testing. Allele origin: germline.

PreventionGenetics, part of Exact Sciences
Classification: Uncertain significance for AMMECR1-related condition. Last evaluated: 2024-03-21. Review status: no assertion criteria provided. Collection method: clinical testing. Allele origin: germline. Not counted in ClinVar's aggregate classification.
Comment: The AMMECR1 c.238G>C variant is predicted to result in the amino acid substitution p.Gly80Arg. To our knowledge, this variant has not been reported in the literature or in a large population database, indicating this variant is rare. At this time, the clinical significance of this variant is uncertain due to the absence of conclusive functional and genetic evidence.